The following is an entry in ClinVar:

ClinVar aggregate classification (germline): Uncertain significance (1 of 4 stars; one submission).

Conditions:
Autosomal recessive distal spinal muscular atrophy 2. Also called: NEUROPATHY, DISTAL HEREDITARY MOTOR, AUTOSOMAL RECESSIVE 2; NEURONOPATHY, DISTAL HEREDITARY MOTOR, JERASH TYPE; NEUROPATHY, DISTAL HEREDITARY MOTOR, JERASH TYPE; SPINAL MUSCULAR ATROPHY, JERASH TYPE; Hereditary motor neuropathy, Jerash type; Motor neuropathy, distal, Jerash type. Identifiers: Orphanet 139552, MedGen C1854023, MONDO:0011585, OMIM 605726.
Amyotrophic lateral sclerosis type 16. Also called: AMYOTROPHIC LATERAL SCLEROSIS 16, JUVENILE. Identifiers: Orphanet 300605, MedGen C3280587, MONDO:0013715, OMIM 614373.

Submission:

Labcorp Genetics (formerly Invitae), Labcorp
Classification: Uncertain significance for Autosomal recessive distal spinal muscular atrophy 2; Amyotrophic lateral sclerosis type 16. Last evaluated: 2022-06-21. Review status: criteria provided, single submitter. Criteria: Invitae Variant Classification Sherloc (09022015). Collection method: clinical testing. Allele origin: germline.
Comment: In summary, the available evidence is currently insufficient to determine the role of this variant in disease. Therefore, it has been classified as a Variant of Uncertain Significance. Algorithms developed to predict the effect of missense changes on protein structure and function (SIFT, PolyPhen-2, Align-GVGD) all suggest that this variant is likely to be tolerated. This variant has not been reported in the literature in individuals affected with SIGMAR1-related conditions. This variant is not present in population databases (gnomAD no frequency). This sequence change replaces glutamine, which is neutral and polar, with glutamic acid, which is acidic and polar, at codon 44 of the SIGMAR1 protein (p.Gln44Glu).

NM_005866.4(SIGMAR1):c.130C>G (p.Gln44Glu)

Genes: SIGMAR1 (sigma receptor chaperone 1; minus strand), LOC130001681 (ATAC-STARR-seq lymphoblastoid silent region 19853; plus strand). Cytogenetic location: 9p13.3.
Variant type: single nucleotide variant.
Coding change: c.130C>G on transcript NM_005866.4 (MANE Select); coding-DNA position 130, C replaced by G.
Protein change: p.Gln44Glu; replaces glutamine 44 with glutamic acid.
Molecular consequence: missense variant. On other transcripts: 5 prime UTR variant (1), non-coding transcript variant (1), intron variant (1).
Genome position (GRCh38, 1-based): chr9:34,637,568, G>C on the plus strand (C>G on the coding strand, the complement: SIGMAR1 is on the minus strand). VCF-style: chr9-34637568-G-C. GRCh37 (hg19) VCF-style: chr9-34637565-G-C.
Other names: c.130C>G, p.Gln44Glu (NM_001282205.2, NM_001282208.2, NM_001282209.2 and 1 more transcripts); c.-124C>G (NM_001282206.2); c.91+39C>G (NM_001282207.2); short protein forms Q44E.
Identifiers: ClinVar variation 2008789 (VCV002008789.4), dbSNP rs748543130, ClinGen allele CA373275467.